The following is an entry in ClinVar:

ClinVar aggregate classification (germline): Uncertain significance (1 of 4 stars; one submission).

Conditions:
Ehlers-Danlos syndrome, classic type, 1 (EDSCL1). Also called: EHLERS-DANLOS SYNDROME, GRAVIS TYPE; EHLERS-DANLOS SYNDROME, SEVERE CLASSIC TYPE; EDS I; Ehlers-Danlos Syndrome, Classic Type, COL5A1-Related; Ehlers-Danlos syndrome, type 1. Identifiers: MedGen C0268335, MONDO:0019567, OMIM 130000.

Submission:

Labcorp Genetics (formerly Invitae), Labcorp
Classification: Uncertain significance for Ehlers-Danlos syndrome, classic type, 1. Last evaluated: 2022-09-23. Review status: criteria provided, single submitter. Criteria: Invitae Variant Classification Sherloc (09022015). Collection method: clinical testing. Allele origin: germline.
Comment: This sequence change replaces glycine, which is neutral and non-polar, with glutamic acid, which is acidic and polar, at codon 129 of the COL5A1 protein (p.Gly129Glu). This variant is not present in population databases (gnomAD no frequency). This variant has not been reported in the literature in individuals affected with COL5A1-related conditions. ClinVar contains an entry for this variant (Variation ID: 1021923). Advanced modeling of protein sequence and biophysical properties (such as structural, functional, and spatial information, amino acid conservation, physicochemical variation, residue mobility, and thermodynamic stability) performed at Invitae indicates that this missense variant is not expected to disrupt COL5A1 protein function. In summary, the available evidence is currently insufficient to determine the role of this variant in disease. Therefore, it has been classified as a Variant of Uncertain Significance.

NM_000093.5(COL5A1):c.386G>A (p.Gly129Glu)

Gene: COL5A1 (collagen type V alpha 1 chain; plus strand). Cytogenetic location: 9q34.3.
Variant type: single nucleotide variant.
Coding change: c.386G>A on transcript NM_000093.5 (MANE Select); coding-DNA position 386, G replaced by A.
Protein change: p.Gly129Glu; replaces glycine 129 with glutamic acid.
Molecular consequence: missense variant.
Genome position (GRCh38, 1-based): chr9:134,700,017, G>A. VCF-style: chr9-134700017-G-A. GRCh37 (hg19) VCF-style: chr9-137591863-G-A.
Other names: c.386G>A, p.Gly129Glu (NM_001278074.1); short protein forms G129E.
Identifiers: ClinVar variation 1021923 (VCV001021923.10), dbSNP rs1833612785, ClinGen allele CA375442896.